The following is an entry in ClinVar:

NM_172351.3(CD46):c.926C>T (p.Pro309Leu)

Gene: CD46 (CD46 molecule; plus strand). Cytogenetic location: 1q32.2.
Variant type: single nucleotide variant.
Coding change: c.926C>T on transcript NM_172351.3 (MANE Select); coding-DNA position 926, C replaced by T.
Protein change: p.Pro309Leu; replaces proline 309 with leucine.
Molecular consequence: missense variant. On other transcripts: intron variant (4).
Genome position (GRCh38, 1-based): chr1:207,770,345, C>T. VCF-style: chr1-207770345-C-T. GRCh37 (hg19) VCF-style: chr1-207943690-C-T.
Other names: p.Pro324Leu; c.971C>T, p.Pro324Leu (NM_002389.4, NM_172359.3); c.926C>T, p.Pro309Leu (NM_153826.4, NM_172358.3); c.881C>T, p.Pro294Leu (NM_172350.3, NM_172352.3, NM_172353.3); c.901+2522C>T (NM_172355.3, NM_172356.3); c.856+3150C>T (NM_172357.3, NM_172361.3); short protein forms P309L, P324L, P294L.
Identifiers: ClinVar variation 873873 (VCV000873873.22), dbSNP rs41317833, ClinGen allele CA1371821.

ClinVar aggregate classification (germline): Conflicting classifications of pathogenicity. Review status: criteria provided, conflicting classifications (1 of 4 stars). 10 submissions from 10 submitters: Uncertain significance (1); Benign (2); Likely benign (6). 1 of the submissions does not count toward it. Last evaluated 2026-05-28.

Conditions:
Atypical hemolytic-uremic syndrome. Identifiers: Orphanet 2134, MedGen C2931788, MONDO:0016244.
Atypical hemolytic-uremic syndrome with MCP/CD46 anomaly. Also called: HEMOLYTIC UREMIC SYNDROME, ATYPICAL, SUSCEPTIBILITY TO, 2; AHUS, SUSCEPTIBILITY TO, 2. Identifiers: Orphanet 2134, MedGen C2752040, MONDO:0013040, OMIM 612922.
CD46-related disorder. Also called: CD46-related condition.

Allele frequency attached by ClinVar (database versions not stated): gnomAD exomes 0.00019 and 0.00057; ExAC 0.00064; gnomAD 0.00220 and 0.00241; ESP Exome Variant Server 0.00231; TOPMed 0.00234; 1000 Genomes Project 0.00240; 1000 Genomes Project 30x 0.00312.
gnomAD v4.1: 611 of 1,605,328 alleles (0.038%); highest among the groups gnomAD compares: African/African-American, 0.71%; 3 homozygotes.

Submissions (10):

Women's Health and Genetics/Laboratory Corporation of America, LabCorp
Classification: Likely benign. Last evaluated: 2026-05-28. Review status: criteria provided, single submitter. Criteria: LabCorp Variant Classification Summary - May 2015. Collection method: clinical testing. Allele origin: germline.
Comment: Variant summary: CD46 c.971C>T (p.Pro324Leu) results in a non-conservative amino acid change in the encoded protein sequence. Algorithms developed to predict the effect of missense changes on protein structure and function are either unavailable or do not agree on the potential impact of this missense change. The variant allele was found at a frequency of 0.00057 in 251178 control chromosomes, predominantly at a frequency of 0.0077 within the African or African-American subpopulation in the gnomAD database. The observed variant frequency within African or African-American control individuals in the gnomAD database exceeds the estimated maximal expected allele frequency for disease-causing variants in CD46. To our knowledge, no occurrence of c.971C>T in individuals affected with CD46-related conditions and no experimental evidence demonstrating its impact on protein function have been reported. ClinVar contains an entry for this variant (Variation ID: 873873). Based on the evidence outlined above, the variant was classified as likely benign.

Labcorp Genetics (formerly Invitae), Labcorp
Classification: Benign. Last evaluated: 2026-01-12. Review status: criteria provided, single submitter. Criteria: Invitae Variant Classification Sherloc (09022015). Collection method: clinical testing. Allele origin: germline.

Genomenon, Inc
Classification: Benign for Atypical hemolytic-uremic syndrome. Last evaluated: 2025-10-02. Review status: criteria provided, single submitter. Criteria: Genomenon Sequence Variant Interpretation Standards. Collection method: curation. Allele origin: germline. Affected: no.
Comment: CD46 p.Pro324Leu (c.971C>T) is a missense variant that changes the amino acid at residue 324 from Proline to Leucine. This variant has been reported in the published literature (PMID:28752844;23508668). This variant is present at high allele frequency in population databases. In conclusion, we classify CD46 p.Pro324Leu (c.971C>T) as a benign variant.

Mayo Clinic Laboratories, Mayo Clinic
Classification: Likely benign. Last evaluated: 2025-03-04. Review status: criteria provided, single submitter. Criteria: ACMG Guidelines, 2015. Collection method: clinical testing. Allele origin: germline. Observed: 13 variant alleles.
Comment: BS1, BP4_moderate

Blueprint Genetics
Classification: Likely benign. Last evaluated: 2024-10-31. Review status: criteria provided, single submitter. Criteria: ACMG Guidelines, 2015. Collection method: clinical testing. Allele origin: germline.

Revvity Omics, Revvity
Classification: Uncertain significance. Last evaluated: 2022-06-28. Review status: criteria provided, single submitter. Criteria: ACMG Guidelines, 2015. Collection method: clinical testing. Allele origin: germline.

Fulgent Genetics
Classification: Likely benign for Atypical hemolytic-uremic syndrome with MCP/CD46 anomaly. Last evaluated: 2022-04-28. Review status: criteria provided, single submitter. Criteria: ACMG Guidelines, 2015. Collection method: clinical testing. Allele origin: unknown.

Illumina Laboratory Services, Illumina
Classification: Likely benign for Atypical hemolytic-uremic syndrome with MCP/CD46 anomaly. Last evaluated: 2018-01-13. Review status: criteria provided, single submitter. Criteria: ICSL Variant Classification Criteria 13 December 2019. Collection method: clinical testing. Allele origin: germline.
Comment: This variant was observed in the ICSL laboratory as part of a predisposition screen in an ostensibly healthy population. It had not been previously curated by ICSL or reported in the Human Gene Mutation Database (HGMD: prior to June 1st, 2018), and was therefore a candidate for classification through an automated scoring system. Utilizing variant allele frequency, disease prevalence and penetrance estimates, and inheritance mode, an automated score was calculated to assess if this variant is too frequent to cause the disease. Based on the score and internal cut-off values, a variant classified as likely benign is not then subjected to further curation. The score for this variant resulted in a classification of likely benign for this disease.

Breakthrough Genomics
Classification: Likely benign. Review status: criteria provided, single submitter. Criteria: ACMG Guidelines, 2015. Collection method: not provided. Allele origin: germline. Inheritance: Autosomal recessive inheritance. Affected: yes.

PreventionGenetics, part of Exact Sciences
Classification: Benign for CD46-related condition. Last evaluated: 2023-09-21. Review status: no assertion criteria provided. Collection method: clinical testing. Allele origin: germline. Not counted in ClinVar's aggregate classification.
Comment: This variant is classified as benign based on ACMG/AMP sequence variant interpretation guidelines (Richards et al. 2015 PMID: 25741868, with internal and published modifications).

Literature cited by the submitters: PubMed 23508668 (cited by Genomenon, Inc).